The following is an entry in ClinVar:

NM_005535.3(IL12RB1):c.878G>T (p.Cys293Phe)

Gene: IL12RB1 (interleukin 12 receptor subunit beta 1; minus strand). Cytogenetic location: 19p13.11.
Variant type: single nucleotide variant.
Coding change: c.878G>T on transcript NM_005535.3 (MANE Select); coding-DNA position 878, G replaced by T.
Protein change: p.Cys293Phe; replaces cysteine 293 with phenylalanine.
Molecular consequence: missense variant.
Genome position (GRCh38, 1-based): chr19:18,072,255, C>A on the plus strand (G>T on the coding strand, the complement: IL12RB1 is on the minus strand). VCF-style: chr19-18072255-C-A. GRCh37 (hg19) VCF-style: chr19-18183065-C-A.
Other names: c.878G>T, p.Cys293Phe (NM_001290023.2, NM_153701.3); c.998G>T, p.Cys333Phe (NM_001290024.2); short protein forms C293F, C333F.
Identifiers: ClinVar variation 1465023 (VCV001465023.6), dbSNP rs2035113237, ClinGen allele CA404780274.
Genomic context (GRCh38, chr19:18,072,255, plus strand): 5'-GCAGCACCCGAGAGATAGGGCATCTTCCCCAGGTGCAGGGTCCTGGTGGCCTTGGCCTTA[C>A]ACGGGCAGGACAGCATGTGGAGCTGTAGTCGGTAAGTGACCTCCGTGCCAGGCGCCAGCC-3'
Protein context (NP_005526.1, residues 283-303): RLQLHMLSCP[Cys293Phe]KAKATRTLHL

ClinVar aggregate classification (germline): Uncertain significance (1 of 4 stars; one submission).

Conditions:
Mendelian susceptibility to mycobacterial diseases due to complete IL12RB1 deficiency. Also called: Immunodeficiency 30; IL12RB1 DEFICIENCY. Identifiers: Orphanet 319552, MedGen C4013949, MONDO:0013955, OMIM 614891.

Allele frequency attached by ClinVar (database versions not stated): gnomAD exomes below 0.00001; gnomAD 0.00001.
gnomAD v4.1: 2 of 1,614,002 alleles (0.00012%); highest among the groups gnomAD compares: Non-Finnish European, 0.00017%; no homozygotes.

Submission:

Labcorp Genetics (formerly Invitae), Labcorp
Classification: Uncertain significance for Mendelian susceptibility to mycobacterial diseases due to complete IL12RB1 deficiency. Last evaluated: 2021-11-13. Review status: criteria provided, single submitter. Criteria: Invitae Variant Classification Sherloc (09022015). Collection method: clinical testing. Allele origin: germline.
Comment: This variant is not present in population databases (gnomAD no frequency). This variant has not been reported in the literature in individuals affected with IL12RB1-related conditions. Algorithms developed to predict the effect of missense changes on protein structure and function are either unavailable or do not agree on the potential impact of this missense change (SIFT: "Deleterious"; PolyPhen-2: "Probably Damaging"; Align-GVGD: "Class C0"). In summary, the available evidence is currently insufficient to determine the role of this variant in disease. Therefore, it has been classified as a Variant of Uncertain Significance. This sequence change replaces cysteine, which is neutral and slightly polar, with phenylalanine, which is neutral and non-polar, at codon 293 of the IL12RB1 protein (p.Cys293Phe).